The following is an entry in ClinVar:

ClinVar aggregate classification (germline): Uncertain significance (1 of 4 stars; one submission).

Conditions:
Intellectual developmental disorder, autosomal dominant 1. Also called: MBD5 Haploinsufficiency; Intellectual disability, autosomal dominant 1. Identifiers: Orphanet 228402, MedGen C1969562, MONDO:0007974, OMIM 156200.

Allele frequency attached by ClinVar (database versions not stated): TOPMed below 0.00001; gnomAD 0.00001.
gnomAD v4.1: 2 of 1,613,730 alleles (0.00012%); highest among the groups gnomAD compares: Non-Finnish European, 0.000085%; no homozygotes.

Submission:

Labcorp Genetics (formerly Invitae), Labcorp
Classification: Uncertain significance for Intellectual developmental disorder, autosomal dominant 1. Last evaluated: 2023-12-12. Review status: criteria provided, single submitter. Criteria: Invitae Variant Classification Sherloc (09022015). Collection method: clinical testing. Allele origin: germline.
Comment: This sequence change replaces lysine, which is basic and polar, with arginine, which is basic and polar, at codon 682 of the MBD5 protein (p.Lys682Arg). This variant is not present in population databases (gnomAD no frequency). This variant has not been reported in the literature in individuals affected with MBD5-related conditions. Advanced modeling of protein sequence and biophysical properties (such as structural, functional, and spatial information, amino acid conservation, physicochemical variation, residue mobility, and thermodynamic stability) performed at Invitae indicates that this missense variant is not expected to disrupt MBD5 protein function with a negative predictive value of 80%. In summary, the available evidence is currently insufficient to determine the role of this variant in disease. Therefore, it has been classified as a Variant of Uncertain Significance.

NM_001378120.1(MBD5):c.2045A>G (p.Lys682Arg)

Gene: MBD5 (methyl-CpG binding domain protein 5; plus strand). Cytogenetic location: 2q23.1.
Variant type: single nucleotide variant.
Coding change: c.2045A>G on transcript NM_001378120.1 (MANE Select); coding-DNA position 2045, A replaced by G.
Protein change: p.Lys682Arg; replaces lysine 682 with arginine.
Molecular consequence: missense variant.
Genome position (GRCh38, 1-based): chr2:148,469,988, A>G. VCF-style: chr2-148469988-A-G. GRCh37 (hg19) VCF-style: chr2-149227557-A-G.
Other names: c.2045A>G, p.Lys682Arg (NM_018328.5); short protein forms K682R.
Identifiers: ClinVar variation 3021171 (VCV003021171.3), dbSNP rs1680739624, ClinGen allele CA348720994.